The following is an entry in ClinVar:

NM_007118.4(TRIO):c.1807G>A (p.Ala603Thr)

Gene: TRIO (trio Rho guanine nucleotide exchange factor; plus strand). Cytogenetic location: 5p15.2.
Variant type: single nucleotide variant.
Coding change: c.1807G>A on transcript NM_007118.4 (MANE Select); coding-DNA position 1807, G replaced by A.
Protein change: p.Ala603Thr; replaces alanine 603 with threonine.
Molecular consequence: missense variant. On other transcripts: non-coding transcript variant (1).
Genome position (GRCh38, 1-based): chr5:14,330,853, G>A. VCF-style: chr5-14330853-G-A. GRCh37 (hg19) VCF-style: chr5-14330962-G-A.
Other names: short protein forms A603T.
Identifiers: ClinVar variation 3342995 (VCV003342995.1).

ClinVar aggregate classification (germline): Uncertain significance (1 of 4 stars; one submission).

Submission:

GeneDx
Classification: Uncertain significance. Last evaluated: 2023-04-04. Review status: criteria provided, single submitter. Criteria: GeneDx Variant Classification Process June 2021. Collection method: clinical testing. Allele origin: germline. Affected: yes.
Comment: Not observed at significant frequency in large population cohorts (gnomAD); In silico analysis supports that this missense variant has a deleterious effect on protein structure/function; Has not been previously published as pathogenic or benign to our knowledge